The following is an entry in ClinVar:

ClinVar aggregate classification (germline): Likely benign (1 of 4 stars; one submission).

Conditions:
LRIG2-related disorder. Also called: LRIG2-related condition.

gnomAD v4.1: 225 of 1,613,964 alleles (0.014%); highest among the groups gnomAD compares: South Asian, 0.16%; 2 homozygotes.

Submission:

PreventionGenetics, part of Exact Sciences
Classification: Likely benign for LRIG2-related condition. Last evaluated: 2026-09-24. Review status: criteria provided, single submitter. Criteria: ACMG Guidelines, 2015. Collection method: clinical testing. Allele origin: germline.
Comment: This variant is classified as likely benign based on ACMG/AMP sequence variant interpretation guidelines (Richards et al. 2015 PMID: 25741868, with internal and published modifications).

NM_014813.3(LRIG2):c.2785G>A (p.Val929Ile)

Gene: LRIG2 (leucine rich repeats and immunoglobulin like domains 2; plus strand). Cytogenetic location: 1p13.2.
Variant type: single nucleotide variant.
Coding change: c.2785G>A on transcript NM_014813.3 (MANE Select); coding-DNA position 2785, G replaced by A.
Protein change: p.Val929Ile; replaces valine 929 with isoleucine.
Molecular consequence: missense variant.
Genome position (GRCh38, 1-based): chr1:113,119,337, G>A. VCF-style: chr1-113119337-G-A. GRCh37 (hg19) VCF-style: chr1-113661959-G-A.
Other names: c.2476G>A, p.Val826Ile (NM_001312686.2); short protein forms V826I, V929I.
Identifiers: ClinVar variation 4992424 (VCV004992424.1).